The following is an entry in ClinVar:

NM_000434.4(NEU1):c.600G>A (p.Pro200=)

Gene: NEU1 (neuraminidase 1; minus strand). Cytogenetic location: 6p21.33.
Variant type: single nucleotide variant.
Coding change: c.600G>A on transcript NM_000434.4 (MANE Select); coding-DNA position 600, G replaced by A.
Protein change: p.Pro200=; no amino-acid change (proline 200 retained).
Molecular consequence: synonymous variant.
Genome position (GRCh38, 1-based): chr6:31,861,203, C>T on the plus strand (G>A on the coding strand, the complement: NEU1 is on the minus strand). VCF-style: chr6-31861203-C-T. GRCh37 (hg19) VCF-style: chr6-31828980-C-T.
Other names: c.600G>A (NM_000434.3).
Identifiers: ClinVar variation 2741935 (VCV002741935.5), dbSNP rs750311018, ClinGen allele CA3725012.

ClinVar aggregate classification (germline): Likely benign. Review status: criteria provided, single submitter (1 of 4 stars). 2 submissions from 2 submitters: Likely benign (1). 1 of the submissions does not count toward it. Last evaluated 2024-03-04.

Conditions:
NEU1-related disorder. Also called: NEU1-related condition.

Allele frequency attached by ClinVar (database versions not stated): gnomAD 0.00001; gnomAD exomes 0.00002; ExAC 0.00007.

Submissions (2):

Labcorp Genetics (formerly Invitae), Labcorp
Classification: Likely benign. Last evaluated: 2024-03-04. Review status: criteria provided, single submitter. Criteria: Invitae Variant Classification Sherloc (09022015). Collection method: clinical testing. Allele origin: germline.

PreventionGenetics, part of Exact Sciences
Classification: Likely benign for NEU1-related condition. Last evaluated: 2019-04-01. Review status: no assertion criteria provided. Collection method: clinical testing. Allele origin: germline. Not counted in ClinVar's aggregate classification.
Comment: This variant is classified as likely benign based on ACMG/AMP sequence variant interpretation guidelines (Richards et al. 2015 PMID: 25741868, with internal and published modifications).